The following is an entry in ClinVar:

ClinVar aggregate classification (germline): Likely benign (1 of 4 stars; one submission).

gnomAD v4.1: 6 of 1,614,210 alleles (0.00037%); highest among the groups gnomAD compares: Non-Finnish European, 0.00051%; no homozygotes.

Submission:

Laboratory for Molecular Medicine, Mass General Brigham Personalized Medicine
Classification: Likely benign. Last evaluated: 2017-11-22. Review status: criteria provided, single submitter. Criteria: LMM Criteria. Collection method: clinical testing. Allele origin: germline. Observed: 1 variant allele.
Comment: p.Met2707Val in exon 10 of ALMS1: This variant is not expected to have clinical significance due to a lack of conservation across species, including mammals. Of note, 6 mammals have a valine (Val) at this position despite high nearby amino acid conservation. In addition, computational prediction tools do not suggest a high likelihood of impact to the protein. It has also been identified in 1/11168 6 European chromosomes by the Genome Aggregation Database (gnomAD .; dbSNP rs371904071). ACMG/AMP Criteria applied: BP4_Strong.

NM_001378454.1(ALMS1):c.8122A>G (p.Met2708Val)

Gene: ALMS1 (ALMS1 centrosome and basal body associated protein; plus strand). Cytogenetic location: 2p13.1.
Variant type: single nucleotide variant.
Coding change: c.8122A>G on transcript NM_001378454.1 (MANE Select); coding-DNA position 8122, A replaced by G.
Protein change: p.Met2708Val; replaces methionine 2708 with valine.
Molecular consequence: missense variant.
Genome position (GRCh38, 1-based): chr2:73,490,081, A>G. VCF-style: chr2-73490081-A-G. GRCh37 (hg19) VCF-style: chr2-73717208-A-G.
Other names: c.8125A>G, p.Met2709Val (NM_015120.4); short protein forms M2709V, M2708V.
Identifiers: ClinVar variation 506190 (VCV000506190.4), dbSNP rs371904071, ClinGen allele CA347267528.
Genomic context (GRCh38, chr2:73,490,081, plus strand): 5'-TTTGTGCCACCTAAAGAAGTGGATTTTCATTCTTCATCACAAATGCCGTCCCCAGAACCC[A>G]TGAAAAAGTTTACTACCTCCATCACTTTTTCATCTCACCGACATTCTAAATGCATTTCCA-3'
Protein context (NP_001365383.1, residues 2698-2718): SSSQMPSPEP[Met2708Val]KKFTTSITFS